The following is an entry in ClinVar:

NM_001349253.2(SCN11A):c.2705C>T (p.Ser902Phe)

Gene: SCN11A (sodium voltage-gated channel alpha subunit 11; minus strand). Cytogenetic location: 3p22.2.
Variant type: single nucleotide variant.
Coding change: c.2705C>T on transcript NM_001349253.2 (MANE Select); coding-DNA position 2705, C replaced by T.
Protein change: p.Ser902Phe; replaces serine 902 with phenylalanine.
Molecular consequence: missense variant.
Genome position (GRCh38, 1-based): chr3:38,894,663, G>A on the plus strand (C>T on the coding strand, the complement: SCN11A is on the minus strand). VCF-style: chr3-38894663-G-A. GRCh37 (hg19) VCF-style: chr3-38936154-G-A.
Other names: c.2705C>T, p.Ser902Phe (NM_014139.3); short protein forms S902F.
Identifiers: ClinVar variation 2539285 (VCV002539285.5), dbSNP rs778817718, ClinGen allele CA352174560.

ClinVar aggregate classification (germline): Uncertain significance. Review status: criteria provided, multiple submitters, no conflicts (2 of 4 stars). 2 submissions from 2 submitters: Uncertain significance (2). Last evaluated 2023-04-20.

Conditions:
Inborn genetic diseases. Identifiers: MedGen C0950123, MeSH D030342.
Hereditary sensory and autonomic neuropathy type 7. Also called: HSAN VII; Neuropathy, hereditary sensory and autonomic, type VII. Identifiers: Orphanet 391397, MedGen C3809882, MONDO:0014244, OMIM 615548.
Familial episodic pain syndrome with predominantly lower limb involvement. Also called: Episodic pain syndrome, familial, 3. Identifiers: Orphanet 391384, Orphanet 391392, MedGen C3809899, MONDO:0014247, OMIM 615552.

Allele frequency attached by ClinVar (database versions not stated): gnomAD 0.00001.
gnomAD v4.1: 13 of 1,613,998 alleles (0.00081%); highest among the groups gnomAD compares: Middle Eastern, 0.049%; no homozygotes.

Submissions (2):

Ambry Genetics
Classification: Uncertain significance for Inborn genetic diseases. Last evaluated: 2023-04-20. Review status: criteria provided, single submitter. Criteria: Ambry Variant Classification Scheme 2023. Collection method: clinical testing. Allele origin: germline.

Labcorp Genetics (formerly Invitae), Labcorp
Classification: Uncertain significance for Familial episodic pain syndrome with predominantly lower limb involvement; Hereditary sensory and autonomic neuropathy type 7. Last evaluated: 2022-12-18. Review status: criteria provided, single submitter. Criteria: Invitae Variant Classification Sherloc (09022015). Collection method: clinical testing. Allele origin: germline.
Comment: In summary, the available evidence is currently insufficient to determine the role of this variant in disease. Therefore, it has been classified as a Variant of Uncertain Significance. Advanced modeling of protein sequence and biophysical properties (such as structural, functional, and spatial information, amino acid conservation, physicochemical variation, residue mobility, and thermodynamic stability) performed at Invitae indicates that this missense variant is not expected to disrupt SCN11A protein function. This sequence change replaces serine, which is neutral and polar, with phenylalanine, which is neutral and non-polar, at codon 902 of the SCN11A protein (p.Ser902Phe). This variant is present in population databases (no rsID available, gnomAD 0.003%). This variant has not been reported in the literature in individuals affected with SCN11A-related conditions.